The following is an entry in ClinVar:

NM_022370.4(ROBO3):c.3184G>A (p.Ala1062Thr)

Gene: ROBO3 (roundabout guidance receptor 3; plus strand). Cytogenetic location: 11q24.2.
Variant type: single nucleotide variant.
Coding change: c.3184G>A on transcript NM_022370.4 (MANE Select); coding-DNA position 3184, G replaced by A.
Protein change: p.Ala1062Thr; replaces alanine 1062 with threonine.
Molecular consequence: missense variant. On other transcripts: non-coding transcript variant (4).
Genome position (GRCh38, 1-based): chr11:124,878,300, G>A. VCF-style: chr11-124878300-G-A. GRCh37 (hg19) VCF-style: chr11-124748196-G-A.
Other names: c.331G>A, p.Ala111Thr (NM_001370356.1, NM_001370357.1, NM_001370358.1 and 2 more transcripts); c.136G>A, p.Ala46Thr (NM_001370364.1, NM_001370366.1); short protein forms A1062T, A111T, A46T.
Identifiers: ClinVar variation 303267 (VCV000303267.6), dbSNP rs111277969, ClinGen allele CA6344085.

ClinVar aggregate classification (germline): Benign. Review status: criteria provided, multiple submitters, no conflicts (2 of 4 stars). 2 submissions from 2 submitters: Benign (2). Last evaluated 2018-01-12.

Conditions:
Gaze palsy, familial horizontal, with progressive scoliosis 1 (HGPPS1). Identifiers: Orphanet 2744, MedGen C4551964, MONDO:0020790, OMIM 607313.

Allele frequency attached by ClinVar (database versions not stated): 1000 Genomes Project 30x 0.02249; 1000 Genomes Project 0.02356; gnomAD exomes 0.02644 and 0.02745; TOPMed 0.02687; ExAC 0.02862; ESP Exome Variant Server 0.02961; gnomAD 0.02994 and 0.03062.
gnomAD v4.1: 44,686 of 1,612,880 alleles (2.8%); highest among the groups gnomAD compares: African/African-American, 3.4%; 693 homozygotes.

Submissions (2):

Illumina Laboratory Services, Illumina
Classification: Benign for Gaze palsy, familial horizontal, with progressive scoliosis 1. Last evaluated: 2018-01-12. Review status: criteria provided, single submitter. Criteria: ICSL Variant Classification Criteria 13 December 2019. Collection method: clinical testing. Allele origin: germline.
Comment: This variant was observed in the ICSL laboratory as part of a predisposition screen in an ostensibly healthy population. It had not been previously curated by ICSL or reported in the Human Gene Mutation Database (HGMD: prior to June 1st, 2018), and was therefore a candidate for classification through an automated scoring system. Utilizing variant allele frequency, disease prevalence and penetrance estimates, and inheritance mode, an automated score was calculated to assess if this variant is too frequent to cause the disease. Based on the score and internal cut-off values, a variant classified as benign is not then subjected to further curation. The score for this variant resulted in a classification of benign for this disease.

Breakthrough Genomics
Classification: Benign. Review status: criteria provided, single submitter. Criteria: ACMG Guidelines, 2015. Collection method: not provided. Allele origin: germline. Inheritance: Autosomal recessive inheritance. Affected: yes.